The following is an entry in ClinVar:

ClinVar aggregate classification (germline): Uncertain significance. Review status: criteria provided, multiple submitters, no conflicts (2 of 4 stars). 2 submissions from 2 submitters: Uncertain significance (2). Last evaluated 2024-12-07.

Conditions:
Hereditary cancer-predisposing syndrome. Also called: Neoplastic Syndromes, Hereditary; Hereditary Cancer Syndrome; Tumor predisposition; Hereditary neoplastic syndrome. Identifiers: Orphanet 140162, MedGen C0027672, MeSH D009386, MONDO:0015356.
Rhabdoid tumor predisposition syndrome 2 (RTPS2). Identifiers: Orphanet 231108, Orphanet 69077, MedGen C2750074, MONDO:0013224, OMIM 613325.

Submissions (2):

Ambry Genetics
Classification: Uncertain significance for Hereditary cancer-predisposing syndrome. Last evaluated: 2024-12-07. Review status: criteria provided, single submitter. Criteria: Ambry Variant Classification Scheme 2023. Collection method: clinical testing. Allele origin: germline.
Comment: The p.M189L variant (also known as c.565A>T), located in coding exon 3 of the SMARCA4 gene, results from an A to T substitution at nucleotide position 565. The methionine at codon 189 is replaced by leucine, an amino acid with highly similar properties. This amino acid position is conserved. In addition, the in silico prediction for this alteration is inconclusive. Based on the available evidence, the clinical significance of this variant remains unclear.

Labcorp Genetics (formerly Invitae), Labcorp
Classification: Uncertain significance for Rhabdoid tumor predisposition syndrome 2. Last evaluated: 2024-06-04. Review status: criteria provided, single submitter. Criteria: Invitae Variant Classification Sherloc (09022015). Collection method: clinical testing. Allele origin: germline.
Comment: This sequence change replaces methionine, which is neutral and non-polar, with leucine, which is neutral and non-polar, at codon 189 of the SMARCA4 protein (p.Met189Leu). This variant is not present in population databases (gnomAD no frequency). This variant has not been reported in the literature in individuals affected with SMARCA4-related conditions. ClinVar contains an entry for this variant (Variation ID: 1929421). Advanced modeling of protein sequence and biophysical properties (such as structural, functional, and spatial information, amino acid conservation, physicochemical variation, residue mobility, and thermodynamic stability) performed at Invitae indicates that this missense variant is not expected to disrupt SMARCA4 protein function with a negative predictive value of 95%. In summary, the available evidence is currently insufficient to determine the role of this variant in disease. Therefore, it has been classified as a Variant of Uncertain Significance.

NM_003072.5(SMARCA4):c.565A>T (p.Met189Leu)

Gene: SMARCA4 (SWI/SNF related BAF chromatin remodeling complex subunit ATPase 4; plus strand). Cytogenetic location: 19p13.2.
Variant type: single nucleotide variant.
Coding change: c.565A>T on transcript NM_003072.5 (MANE Select); coding-DNA position 565, A replaced by T.
Protein change: p.Met189Leu; replaces methionine 189 with leucine.
Molecular consequence: missense variant. On other transcripts: non-coding transcript variant (1).
Genome position (GRCh38, 1-based): chr19:10,986,398, A>T. VCF-style: chr19-10986398-A-T. GRCh37 (hg19) VCF-style: chr19-11097074-A-T.
Other names: c.565A>T (NM_001128849.1); c.565A>T, p.Met189Leu (NM_001128844.3, NM_001128845.2, NM_001128846.2 and 6 more transcripts); short protein forms M189L.
Identifiers: ClinVar variation 1929421 (VCV001929421.6), dbSNP rs2513999134, ClinGen allele CA404056406.